The following is an entry in ClinVar:

NM_001303052.2(MYT1L):c.1053G>T (p.Pro351=)

Gene: MYT1L (myelin transcription factor 1 like; minus strand). Cytogenetic location: 2p25.3.
Variant type: single nucleotide variant.
Coding change: c.1053G>T on transcript NM_001303052.2 (MANE Select); coding-DNA position 1053, G replaced by T.
Protein change: p.Pro351=; no amino-acid change (proline 351 retained).
Molecular consequence: synonymous variant.
Genome position (GRCh38, 1-based): chr2:1,922,716, C>A on the plus strand (G>T on the coding strand, the complement: MYT1L is on the minus strand). VCF-style: chr2-1922716-C-A. GRCh37 (hg19) VCF-style: chr2-1926488-C-A.
Other names: c.1053G>T (NM_001303052.1); c.1053G>T, p.Pro351= (NM_001329844.2, NM_001329845.1, NM_001329846.3 and 6 more transcripts).
Identifiers: ClinVar variation 786477 (VCV000786477.40), dbSNP rs13399855, ClinGen allele CA1514310.

ClinVar aggregate classification (germline): Benign/Likely benign. Review status: criteria provided, multiple submitters, no conflicts (2 of 4 stars). 6 submissions from 6 submitters: Benign (3); Likely benign (2). 1 of the submissions does not count toward it. Last evaluated 2025-12-01.

Conditions:
MYT1L-related disorder. Also called: MYT1L-related condition.

Allele frequency attached by ClinVar (database versions not stated): 1000 Genomes Project 30x 0.00156; 1000 Genomes Project 0.00140.
gnomAD v4.1: 545 of 1,613,832 alleles (0.034%); highest among the groups gnomAD compares: African/African-American, 0.53%; 2 homozygotes.

Submissions (6):

CeGaT Center for Human Genetics Tuebingen
Classification: Likely benign. Last evaluated: 2025-12-01. Review status: criteria provided, single submitter. Criteria: CeGaT Center For Human Genetics Tuebingen Variant Classification Criteria Version 2. Collection method: clinical testing. Allele origin: germline. Affected: yes. Observed: 7 variant alleles.
Comment: MYT1L: BP4, BP7

Blueprint Genetics
Classification: Likely benign. Last evaluated: 2024-10-28. Review status: criteria provided, single submitter. Criteria: ACMG Guidelines, 2015. Collection method: clinical testing. Allele origin: germline.

Labcorp Genetics (formerly Invitae), Labcorp
Classification: Benign. Last evaluated: 2019-12-31. Review status: criteria provided, single submitter. Criteria: Invitae Variant Classification Sherloc (09022015). Collection method: clinical testing. Allele origin: germline.

GeneDx
Classification: Benign. Last evaluated: 2018-12-26. Review status: criteria provided, single submitter. Criteria: GeneDx Variant Classification Process June 2021. Collection method: clinical testing. Allele origin: germline. Affected: yes.

Breakthrough Genomics
Classification: Benign. Review status: criteria provided, single submitter. Criteria: ACMG Guidelines, 2015. Collection method: not provided. Allele origin: germline. Inheritance: Autosomal dominant inheritance. Affected: yes.

PreventionGenetics, part of Exact Sciences
Classification: Benign for MYT1L-related condition. Last evaluated: 2019-07-16. Review status: no assertion criteria provided. Collection method: clinical testing. Allele origin: germline. Not counted in ClinVar's aggregate classification.
Comment: This variant is classified as benign based on ACMG/AMP sequence variant interpretation guidelines (Richards et al. 2015 PMID: 25741868, with internal and published modifications).